The following is an entry in ClinVar:

NM_000135.4(FANCA):c.4223C>G (p.Pro1408Arg)

Genes: FANCA (FA complementation group A; minus strand), ZNF276 (zinc finger protein 276; plus strand). Cytogenetic location: 16q24.3.
Variant type: single nucleotide variant.
Coding change: c.4223C>G on transcript NM_000135.4 (MANE Select); coding-DNA position 4223, C replaced by G.
Protein change: p.Pro1408Arg; replaces proline 1408 with arginine.
Molecular consequence: missense variant. On other transcripts: synonymous variant (1), 3 prime UTR variant (2), non-coding transcript variant (4).
Genome position (GRCh38, 1-based): chr16:89,738,919, G>C on the plus strand (C>G on the coding strand, the complement: FANCA is on the minus strand). VCF-style: chr16-89738919-G-C. GRCh37 (hg19) VCF-style: chr16-89805327-G-C.
Other names: c.4227C>G, p.Thr1409= (NM_001286167.3); c.*673G>C (NM_001113525.2, NM_152287.4); short protein forms P1408R.
Identifiers: ClinVar variation 4254200 (VCV004254200.1).

ClinVar aggregate classification (germline): Uncertain significance (1 of 4 stars; one submission).

Conditions:
Inborn genetic diseases. Identifiers: MedGen C0950123, MeSH D030342.

Submission:

Ambry Genetics
Classification: Uncertain significance for Inborn genetic diseases. Last evaluated: 2025-07-13. Review status: criteria provided, single submitter. Criteria: Ambry Variant Classification Scheme 2023. Collection method: clinical testing. Allele origin: germline.
Comment: The p.P1408R variant (also known as c.4223C>G), located in coding exon 42 of the FANCA gene, results from a C to G substitution at nucleotide position 4223. The proline at codon 1408 is replaced by arginine, an amino acid with dissimilar properties. This amino acid position is conserved. In addition, this alteration is predicted to be deleterious by in silico analysis. Based on the available evidence, the clinical significance of this variant remains unclear.